The following is an entry in ClinVar:

ClinVar aggregate classification (germline): Uncertain significance (1 of 4 stars; one submission).

Submission:

GeneDx
Classification: Uncertain significance. Last evaluated: 2024-05-15. Review status: criteria provided, single submitter. Criteria: GeneDx Variant Classification Process June 2021. Collection method: clinical testing. Allele origin: germline. Affected: yes.
Comment: Not observed at significant frequency in large population cohorts (gnomAD); In silico analysis indicates that this missense variant does not alter protein structure/function; Has not been previously published as pathogenic or benign to our knowledge

NM_014991.6(WDFY3):c.1544A>G (p.Lys515Arg)

Gene: WDFY3 (WD repeat and FYVE domain containing 3; minus strand). Cytogenetic location: 4q21.23.
Variant type: single nucleotide variant.
Coding change: c.1544A>G on transcript NM_014991.6 (MANE Select); coding-DNA position 1544, A replaced by G.
Protein change: p.Lys515Arg; replaces lysine 515 with arginine.
Molecular consequence: missense variant.
Genome position (GRCh38, 1-based): chr4:84,821,131, T>C on the plus strand (A>G on the coding strand, the complement: WDFY3 is on the minus strand). VCF-style: chr4-84821131-T-C. GRCh37 (hg19) VCF-style: chr4-85742284-T-C.
Other names: short protein forms K515R.
Identifiers: ClinVar variation 3377900 (VCV003377900.1).